The following is an entry in ClinVar:

NM_005228.5(EGFR):c.3271+81C>T

Gene: EGFR (epidermal growth factor receptor; plus strand). Cytogenetic location: 7p11.2.
Variant type: single nucleotide variant.
Coding change: c.3271+81C>T on transcript NM_005228.5 (MANE Select); 81 bases into the intron after coding-DNA position 3271, C replaced by T.
Molecular consequence: intron variant. On other transcripts: nonsense (2).
Genome position (GRCh38, 1-based): chr7:55,202,706, C>T. VCF-style: chr7-55202706-C-T. GRCh37 (hg19) VCF-style: chr7-55270399-C-T.
Other names: c.3217C>T, p.Gln1073Ter (NM_001346897.2); c.3352C>T, p.Gln1118Ter (NM_001346898.2); c.3136+81C>T (NM_001346899.2); c.2470+81C>T (NM_001346941.2); c.3112+81C>T (NM_001346900.2); short protein forms Q1073*, Q1118*.
Identifiers: ClinVar variation 135518 (VCV000135518.1), dbSNP rs587777941, ClinGen allele CA162973.

ClinVar aggregate classification (germline): not provided (0 of 4 stars; one submission).

Allele frequency attached by ClinVar (database versions not stated): gnomAD exomes 0.00004 and 0.00015; gnomAD 0.00007 and 0.00008; TOPMed 0.00009.
gnomAD v4.1: 178 of 1,284,068 alleles (0.014%); highest among the groups gnomAD compares: Non-Finnish European, 0.019%; no homozygotes.

Submission:

ITMI
No classification provided. Condition: AllHighlyPenetrant. Last evaluated: 2013-09-19. Review status: no classification provided. Collection method: reference population. Allele origin: germline.
Comment: Please see associated publication for description of ethnicities

Literature cited by the submitters: PubMed 24728327.